The following is an entry in ClinVar:

ClinVar aggregate classification (germline): Conflicting classifications of pathogenicity. Review status: criteria provided, conflicting classifications (1 of 4 stars). 2 submissions from 2 submitters: Uncertain significance (1); Likely benign (1). Last evaluated 2025-07-22.

Conditions:
Charcot-Marie-Tooth disease. Also called: Charcot-Marie-Tooth Hereditary Neuropathy; Charcot-Marie-Tooth Neuropathy. Identifiers: Orphanet 166, MedGen C0007959, MONDO:0015626.

Allele frequency attached by ClinVar (database versions not stated): ExAC 0.00003; gnomAD exomes 0.00004 and 0.00006; gnomAD 0.00005 and 0.00006; TOPMed 0.00006; ESP Exome Variant Server 0.00008.
gnomAD v4.1: 92 of 1,592,016 alleles (0.0058%); highest among the groups gnomAD compares: Middle Eastern, 0.035%; no homozygotes.

Submissions (2):

Women's Health and Genetics/Laboratory Corporation of America, LabCorp
Classification: Uncertain significance. Last evaluated: 2025-07-22. Review status: criteria provided, single submitter. Criteria: LabCorp Variant Classification Summary - May 2015. Collection method: clinical testing. Allele origin: germline.
Comment: Variant summary: IGHMBP2 c.*18C>T is located in the untranslated mRNA region downstream of the termination codon. The variant allele was found at a frequency of 4.3e-05 in 209602 control chromosomes. The available data on variant occurrences in the general population are insufficient to allow any conclusion about variant significance. To our knowledge, no occurrence of c.*18C>T in individuals affected with Charcot-Marie-Tooth disease axonal type 2S and no experimental evidence demonstrating its impact on protein function have been reported. ClinVar contains an entry for this variant (Variation ID: 917331). Based on the evidence outlined above, the variant was classified as uncertain significance.

Molecular Genetics Laboratory, London Health Sciences Centre
Classification: Likely benign for Charcot-Marie-Tooth disease. Review status: criteria provided, single submitter. Criteria: ACMG Guidelines, 2015. Collection method: clinical testing. Allele origin: germline. Affected: yes.

NM_002180.3(IGHMBP2):c.*18C>T

Gene: IGHMBP2 (immunoglobulin mu DNA binding protein 2; plus strand). Cytogenetic location: 11q13.3.
Variant type: single nucleotide variant.
Coding change: c.*18C>T on transcript NM_002180.3 (MANE Select); 18 bases downstream of the stop codon, C replaced by T.
Molecular consequence: 3 prime UTR variant.
Genome position (GRCh38, 1-based): chr11:68,939,749, C>T. VCF-style: chr11-68939749-C-T. GRCh37 (hg19) VCF-style: chr11-68707217-C-T.
Identifiers: ClinVar variation 917331 (VCV000917331.2), dbSNP rs370227350, ClinGen allele CA6154083.